The following is an entry in ClinVar:

ClinVar aggregate classification (germline): Uncertain significance (1 of 4 stars; one submission).

Conditions:
Nemaline myopathy 2 (NEM2). Also called: Nemaline myopathy 2, autosomal recessive. Identifiers: MedGen C1850569, MONDO:0009725, OMIM 256030.

Submission:

Labcorp Genetics (formerly Invitae), Labcorp
Classification: Uncertain significance for Nemaline myopathy 2. Last evaluated: 2022-07-25. Review status: criteria provided, single submitter. Criteria: Invitae Variant Classification Sherloc (09022015). Collection method: clinical testing. Allele origin: germline.
Comment: This variant is not present in population databases (gnomAD no frequency). In summary, the available evidence is currently insufficient to determine the role of this variant in disease. Therefore, it has been classified as a Variant of Uncertain Significance. Algorithms developed to predict the effect of missense changes on protein structure and function are either unavailable or do not agree on the potential impact of this missense change (SIFT: "Deleterious"; PolyPhen-2: "Not Available"; Align-GVGD: "Class C0"). ClinVar contains an entry for this variant (Variation ID: 658460). This variant has not been reported in the literature in individuals affected with NEB-related conditions. This sequence change replaces aspartic acid, which is acidic and polar, with alanine, which is neutral and non-polar, at codon 410 of the NEB protein (p.Asp410Ala).

NM_001164508.2(NEB):c.1229A>C (p.Asp410Ala)

Gene: NEB (nebulin; minus strand). Cytogenetic location: 2q23.3.
Variant type: single nucleotide variant.
Coding change: c.1229A>C on transcript NM_001164508.2 (MANE Select); coding-DNA position 1229, A replaced by C.
Protein change: p.Asp410Ala; replaces aspartic acid 410 with alanine.
Molecular consequence: missense variant.
Genome position (GRCh38, 1-based): chr2:151,697,572, T>G on the plus strand (A>C on the coding strand, the complement: NEB is on the minus strand). VCF-style: chr2-151697572-T-G. GRCh37 (hg19) VCF-style: chr2-152554086-T-G.
Other names: c.1229A>C, p.Asp410Ala (NM_001164507.2, NM_001271208.2, NM_004543.5); short protein forms D410A.
Identifiers: ClinVar variation 658460 (VCV000658460.8), dbSNP rs1576715183, ClinGen allele CA348825866.